The following is an entry in ClinVar:

NM_016030.6(TRAPPC12):c.638C>T (p.Thr213Met)

Gene: TRAPPC12 (trafficking protein particle complex subunit 12; plus strand). Cytogenetic location: 2p25.3.
Variant type: single nucleotide variant.
Coding change: c.638C>T on transcript NM_016030.6 (MANE Select); coding-DNA position 638, C replaced by T.
Protein change: p.Thr213Met; replaces threonine 213 with methionine.
Molecular consequence: missense variant.
Genome position (GRCh38, 1-based): chr2:3,388,261, C>T. VCF-style: chr2-3388261-C-T. GRCh37 (hg19) VCF-style: chr2-3392032-C-T.
Other names: c.638C>T, p.Thr213Met (NM_001321102.2); short protein forms T213M.
Identifiers: ClinVar variation 1386514 (VCV001386514.6), dbSNP rs762173422, ClinGen allele CA1515125.

ClinVar aggregate classification (germline): Uncertain significance (1 of 4 stars; one submission).

Allele frequency attached by ClinVar (database versions not stated): ExAC 0.00001.
gnomAD v4.1: 3 of 1,608,276 alleles (0.00019%); highest among the groups gnomAD compares: Non-Finnish European, 0.00025%; no homozygotes.

Submission:

Labcorp Genetics (formerly Invitae), Labcorp
Classification: Uncertain significance. Last evaluated: 2022-07-06. Review status: criteria provided, single submitter. Criteria: Invitae Variant Classification Sherloc (09022015). Collection method: clinical testing. Allele origin: germline.
Comment: Algorithms developed to predict the effect of missense changes on protein structure and function are either unavailable or do not agree on the potential impact of this missense change (SIFT: "Not Available"; PolyPhen-2: "Possibly Damaging"; Align-GVGD: "Not Available"). This sequence change replaces threonine with methionine at codon 213 of the TRAPPC12 protein (p.Thr213Met). The threonine residue is weakly conserved and there is a moderate physicochemical difference between threonine and methionine. The frequency data for this variant in the population databases is considered unreliable, as metrics indicate poor data quality at this position in the gnomAD database. This variant has not been reported in the literature in individuals affected with TRAPPC12-related conditions. ClinVar contains an entry for this variant (Variation ID: 1386514). In summary, the available evidence is currently insufficient to determine the role of this variant in disease. Therefore, it has been classified as a Variant of Uncertain Significance.